The following is an entry in ClinVar:

NM_030665.4(RAI1):c.2966A>T (p.Lys989Ile)

Gene: RAI1 (retinoic acid induced 1; plus strand). Cytogenetic location: 17p11.2.
Variant type: single nucleotide variant.
Coding change: c.2966A>T on transcript NM_030665.4 (MANE Select); coding-DNA position 2966, A replaced by T.
Protein change: p.Lys989Ile; replaces lysine 989 with isoleucine.
Molecular consequence: missense variant.
Genome position (GRCh38, 1-based): chr17:17,795,914, A>T. VCF-style: chr17-17795914-A-T. GRCh37 (hg19) VCF-style: chr17-17699228-A-T.
Other names: short protein forms K989I.
Identifiers: ClinVar variation 3673738 (VCV003673738.2).
Genomic context (GRCh38, chr17:17,795,914, plus strand): 5'-ACGCCTCTCTGGCCCAGAAGCCCAACAAGCCTGCTGTGCCCGAGGCGCCCATCGCAAAGA[A>T]AGAGCCTGTGCCACGGGGCAAAAGCTTACGGAGCCGTCGGGTGCACCGGGGGCTGCCCGA-3'
Protein context (NP_109590.3, residues 979-999): PAVPEAPIAK[Lys989Ile]EPVPRGKSLR

ClinVar aggregate classification (germline): Uncertain significance (1 of 4 stars; one submission).

gnomAD v4.1: 3 of 1,610,712 alleles (0.00019%); highest among the groups gnomAD compares: Non-Finnish European, 0.00025%; no homozygotes.

Submission:

Labcorp Genetics (formerly Invitae), Labcorp
Classification: Uncertain significance. Last evaluated: 2024-12-15. Review status: criteria provided, single submitter. Criteria: Invitae Variant Classification Sherloc (09022015). Collection method: clinical testing. Allele origin: germline.
Comment: This sequence change replaces lysine, which is basic and polar, with isoleucine, which is neutral and non-polar, at codon 989 of the RAI1 protein (p.Lys989Ile). This variant is present in population databases (rs762596233, gnomAD 0.0009%). This variant has not been reported in the literature in individuals affected with RAI1-related conditions. Invitae Evidence Modeling of protein sequence and biophysical properties (such as structural, functional, and spatial information, amino acid conservation, physicochemical variation, residue mobility, and thermodynamic stability) indicates that this missense variant is not expected to disrupt RAI1 protein function with a negative predictive value of 80%. In summary, the available evidence is currently insufficient to determine the role of this variant in disease. Therefore, it has been classified as a Variant of Uncertain Significance.